The following is an entry in ClinVar:

ClinVar aggregate classification (germline): Uncertain significance. Review status: criteria provided, single submitter (1 of 4 stars). 2 submissions from 2 submitters: Uncertain significance (1). 1 of the submissions does not count toward it. Last evaluated 2024-04-16.

Conditions:
DIABLO-related disorder. Also called: DIABLO-related condition.

gnomAD v4.1: 3 of 1,614,186 alleles (0.00019%); highest among the groups gnomAD compares: Non-Finnish European, 0.00025%; no homozygotes.

Submissions (2):

Labcorp Genetics (formerly Invitae), Labcorp
Classification: Uncertain significance. Last evaluated: 2024-04-16. Review status: criteria provided, single submitter. Criteria: Invitae Variant Classification Sherloc (09022015). Collection method: clinical testing. Allele origin: germline.
Comment: This sequence change replaces glutamic acid, which is acidic and polar, with lysine, which is basic and polar, at codon 127 of the DIABLO protein (p.Glu127Lys). This variant is not present in population databases (gnomAD no frequency). This variant has not been reported in the literature in individuals affected with DIABLO-related conditions. An algorithm developed to predict the effect of missense changes on protein structure and function (PolyPhen-2) suggests that this variant is likely to be tolerated. In summary, the available evidence is currently insufficient to determine the role of this variant in disease. Therefore, it has been classified as a Variant of Uncertain Significance.

PreventionGenetics, part of Exact Sciences
Classification: Uncertain significance for DIABLO-related condition. Last evaluated: 2024-03-06. Review status: no assertion criteria provided. Collection method: clinical testing. Allele origin: germline. Not counted in ClinVar's aggregate classification.
Comment: The DIABLO c.379G>A variant is predicted to result in the amino acid substitution p.Glu127Lys. To our knowledge, this variant has not been reported in the literature or in a large population database, indicating this variant is rare. At this time, the clinical significance of this variant is uncertain due to the absence of conclusive functional and genetic evidence.

NM_001371333.1(DIABLO):c.379G>A (p.Glu127Lys)

Gene: DIABLO (diablo IAP-binding mitochondrial protein; minus strand). Cytogenetic location: 12q24.31.
Variant type: single nucleotide variant.
Coding change: c.379G>A on transcript NM_001371333.1 (MANE Select); coding-DNA position 379, G replaced by A.
Protein change: p.Glu127Lys; replaces glutamic acid 127 with lysine.
Molecular consequence: missense variant.
Genome position (GRCh38, 1-based): chr12:122,216,806, C>T on the plus strand (G>A on the coding strand, the complement: DIABLO is on the minus strand). VCF-style: chr12-122216806-C-T. GRCh37 (hg19) VCF-style: chr12-122701353-C-T.
Other names: c.88G>A, p.Glu30Lys (NM_001278302.1); c.160G>A, p.Glu54Lys (NM_001278303.1); c.220G>A, p.Glu74Lys (NM_001278304.2, NM_138930.3); c.247G>A, p.Glu83Lys (NM_001278342.1); c.379G>A, p.Glu127Lys (NM_019887.6); short protein forms E127K, E30K, E54K, E74K, E83K.
Identifiers: ClinVar variation 3350979 (VCV003350979.3).